The following is an entry in ClinVar:

ClinVar aggregate classification (germline): Uncertain significance. Review status: criteria provided, multiple submitters, no conflicts (2 of 4 stars). 3 submissions from 3 submitters: Uncertain significance (3). Last evaluated 2025-05-13.

Conditions:
Inborn genetic diseases. Identifiers: MedGen C0950123, MeSH D030342.

Allele frequency attached by ClinVar (database versions not stated): 1000 Genomes Project 0.00020; TOPMed 0.00029; gnomAD exomes 0.00003; 1000 Genomes Project 30x 0.00016; gnomAD 0.00026; ESP Exome Variant Server 0.00008; ExAC 0.00011.
gnomAD v4.1: 85 of 1,613,878 alleles (0.0053%); highest among the groups gnomAD compares: African/African-American, 0.11%; no homozygotes.

Submissions (3):

Ambry Genetics
Classification: Uncertain significance for Inborn genetic diseases. Last evaluated: 2025-05-13. Review status: criteria provided, single submitter. Criteria: Ambry Variant Classification Scheme 2023. Collection method: clinical testing. Allele origin: germline.

GeneDx
Classification: Uncertain significance. Last evaluated: 2022-08-19. Review status: criteria provided, single submitter. Criteria: GeneDx Variant Classification Process June 2021. Collection method: clinical testing. Allele origin: germline. Affected: yes.
Comment: In silico analysis supports that this missense variant has a deleterious effect on protein structure/function; Has not been previously published as pathogenic or benign to our knowledge

Labcorp Genetics (formerly Invitae), Labcorp
Classification: Uncertain significance. Last evaluated: 2022-03-28. Review status: criteria provided, single submitter. Criteria: Invitae Variant Classification Sherloc (09022015). Collection method: clinical testing. Allele origin: germline.
Comment: This sequence change replaces serine, which is neutral and polar, with arginine, which is basic and polar, at codon 233 of the RNASEH1 protein (p.Ser233Arg). This variant is present in population databases (rs377071926, gnomAD 0.1%). This variant has not been reported in the literature in individuals affected with RNASEH1-related conditions. Algorithms developed to predict the effect of missense changes on protein structure and function are either unavailable or do not agree on the potential impact of this missense change (SIFT: "Tolerated"; PolyPhen-2: "Probably Damaging"; Align-GVGD: "Class C0"). In summary, the available evidence is currently insufficient to determine the role of this variant in disease. Therefore, it has been classified as a Variant of Uncertain Significance.

NM_002936.6(RNASEH1):c.699T>G (p.Ser233Arg)

Gene: RNASEH1 (ribonuclease H1; minus strand). Cytogenetic location: 2p25.3.
Variant type: single nucleotide variant.
Coding change: c.699T>G on transcript NM_002936.6 (MANE Select); coding-DNA position 699, T replaced by G.
Protein change: p.Ser233Arg; replaces serine 233 with arginine.
Molecular consequence: missense variant. On other transcripts: non-coding transcript variant (7).
Genome position (GRCh38, 1-based): chr2:3,548,006, A>C on the plus strand (T>G on the coding strand, the complement: RNASEH1 is on the minus strand). VCF-style: chr2-3548006-A-C. GRCh37 (hg19) VCF-style: chr2-3595596-A-C.
Other names: c.621T>G, p.Ser207Arg (NM_001286834.3); c.348T>G, p.Ser116Arg (NM_001286837.3); c.699T>G, p.Ser233Arg (NM_001378271.1); c.696T>G, p.Ser232Arg (NM_001378272.1); c.684T>G, p.Ser228Arg (NM_001378273.1); c.699T>G (NM_002936.4, NM_002936.3); short protein forms S207R, S233R, S116R, S228R, S232R.
Identifiers: ClinVar variation 2068844 (VCV002068844.3), dbSNP rs377071926, ClinGen allele CA1516152.